The following is an entry in ClinVar:

NM_000081.4(LYST):c.5785C>T (p.Gln1929Ter)

Gene: LYST (lysosomal trafficking regulator; minus strand). Cytogenetic location: 1q42.3.
Variant type: single nucleotide variant.
Coding change: c.5785C>T on transcript NM_000081.4 (MANE Select); coding-DNA position 5785, C replaced by T.
Protein change: p.Gln1929Ter; replaces glutamine 1929 with a stop codon.
Molecular consequence: nonsense.
Genome position (GRCh38, 1-based): chr1:235,770,297, G>A on the plus strand (C>T on the coding strand, the complement: LYST is on the minus strand). VCF-style: chr1-235770297-G-A. GRCh37 (hg19) VCF-style: chr1-235933597-G-A.
Other names: c.5785C>T, p.Gln1929Ter (NM_001301365.1); short protein forms Q1929*.
Identifiers: ClinVar variation 2834400 (VCV002834400.3), dbSNP rs2527926022, ClinGen allele CA344950174.

ClinVar aggregate classification (germline): Pathogenic (1 of 4 stars; one submission).

Conditions:
Chédiak-Higashi syndrome (CHS). Also called: Chediak-Higashi Syndrome. Identifiers: Orphanet 167, MedGen C0007965, MONDO:0008963, OMIM 214500.

Submission:

Labcorp Genetics (formerly Invitae), Labcorp
Classification: Pathogenic for Chédiak-Higashi syndrome. Last evaluated: 2023-02-04. Review status: criteria provided, single submitter. Criteria: Invitae Variant Classification Sherloc (09022015). Collection method: clinical testing. Allele origin: germline.
Comment: For these reasons, this variant has been classified as Pathogenic. Algorithms developed to predict the effect of sequence changes on RNA splicing suggest that this variant may disrupt the consensus splice site. This variant has not been reported in the literature in individuals affected with LYST-related conditions. This variant is not present in population databases (gnomAD no frequency). This sequence change creates a premature translational stop signal (p.Gln1929*) in the LYST gene. It is expected to result in an absent or disrupted protein product. Loss-of-function variants in LYST are known to be pathogenic (PMID: 9215679, 11857544).

Literature cited by the submitters: PubMed 9215679; PubMed 11857544.